The following is an entry in ClinVar:

ClinVar aggregate classification (germline): Uncertain significance. Review status: criteria provided, multiple submitters, no conflicts (2 of 4 stars). 2 submissions from 2 submitters: Uncertain significance (2). Last evaluated 2025-10-17.

Conditions:
DOCK2 deficiency. Also called: Immunodeficiency 40. Identifiers: Orphanet 447737, MedGen C4225328, MONDO:0014637, OMIM 616433.
Inborn genetic diseases. Identifiers: MedGen C0950123, MeSH D030342.

Allele frequency attached by ClinVar (database versions not stated): ExAC 0.00011; gnomAD 0.00004 and 0.00003; TOPMed 0.00006; gnomAD exomes 0.00009 and 0.00010.
gnomAD v4.1: 135 of 1,613,730 alleles (0.0084%); highest among the groups gnomAD compares: Middle Eastern, 0.15%; 1 homozygote.

Submissions (2):

Ambry Genetics
Classification: Uncertain significance for Inborn genetic diseases. Last evaluated: 2025-10-17. Review status: criteria provided, single submitter. Criteria: Ambry Variant Classification Scheme 2023. Collection method: clinical testing. Allele origin: germline.

Labcorp Genetics (formerly Invitae), Labcorp
Classification: Uncertain significance for DOCK2 deficiency. Last evaluated: 2022-07-25. Review status: criteria provided, single submitter. Criteria: Invitae Variant Classification Sherloc (09022015). Collection method: clinical testing. Allele origin: germline.
Comment: This sequence change replaces methionine, which is neutral and non-polar, with threonine, which is neutral and polar, at codon 450 of the DOCK2 protein (p.Met450Thr). This variant is present in population databases (rs759775916, gnomAD 0.06%), including at least one homozygous and/or hemizygous individual. This variant has not been reported in the literature in individuals affected with DOCK2-related conditions. ClinVar contains an entry for this variant (Variation ID: 542613). Algorithms developed to predict the effect of missense changes on protein structure and function are either unavailable or do not agree on the potential impact of this missense change (SIFT: "Tolerated"; PolyPhen-2: "Possibly Damaging"; Align-GVGD: "Class C0"). In summary, the available evidence is currently insufficient to determine the role of this variant in disease. Therefore, it has been classified as a Variant of Uncertain Significance.

NM_004946.3(DOCK2):c.1349T>C (p.Met450Thr)

Gene: DOCK2 (dedicator of cytokinesis 2; plus strand). Cytogenetic location: 5q35.1.
Variant type: single nucleotide variant.
Coding change: c.1349T>C on transcript NM_004946.3 (MANE Select); coding-DNA position 1349, T replaced by C.
Protein change: p.Met450Thr; replaces methionine 450 with threonine.
Molecular consequence: missense variant. On other transcripts: non-coding transcript variant (1).
Genome position (GRCh38, 1-based): chr5:169,702,393, T>C. VCF-style: chr5-169702393-T-C. GRCh37 (hg19) VCF-style: chr5-169129397-T-C.
Other names: c.1349T>C, p.Met450Thr (LRG_1227t1); short protein forms M450T.
Identifiers: ClinVar variation 542613 (VCV000542613.9), dbSNP rs759775916, ClinGen allele CA3553425.
Genomic context (GRCh38, chr5:169,702,393, plus strand): 5'-TCTTACAAGGTGACTTTGACAAGTACAACAAGACCACACAGAGGAATGTGGAAGTCATCA[T>C]GTGTGTGTGCGCGGAGGATGGCAAAACGCTGCCTGTAAGGGACTCACTGCTGCTCTGGGT-3'
Protein context (NP_004937.1, residues 440-460): KTTQRNVEVI[Met450Thr]CVCAEDGKTL